The following is an entry in ClinVar:

ClinVar aggregate classification (germline): Likely pathogenic. Review status: reviewed by expert panel (3 of 4 stars). 2 submissions from 2 submitters: Likely pathogenic (1). 1 of the submissions does not count toward it. Last evaluated 2024-11-17.

Conditions:
Phenylketonuria (PKU). Also called: Phenylketonuria (PKU); FOLLING DISEASE; OLIGOPHRENIA PHENYLPYRUVICA; Phenylketonurias. Identifiers: Orphanet 716, MedGen C0031485, MONDO:0009861, OMIM 261600. Disease mechanism: loss of function.

Submissions (2):

ClinGen PAH Variant Curation Expert Panel
Classification: Likely pathogenic for Phenylketonuria. Last evaluated: 2024-11-17. Review status: reviewed by expert panel. Criteria: ClinGen PAH ACMG Specifications v1. Collection method: curation. Allele origin: germline. Inheritance: Autosomal recessive inheritance.
Comment: This variant is absent in gnomAD v2.1.1 (PM2_Supporting). A deleterious effect is predicted by REVEL (REVEL score 0.947) (PP3_Strong). In summary, this variant meets criteria to be classified as likely pathogenic for phenylketonuria in an autosomal recessive manner based on the ACMG/AMP criteria applied as specified by the PAH Expert Panel: PM2_Supporting, PM3_Supporting, PP3_Strong, PP4.

DeBelle Laboratory for Biochemical Genetics, MUHC/MCH RESEARCH INSTITUTE
No classification provided. Review status: no classification provided. Collection method: not provided. Allele origin: not provided. Not counted in ClinVar's aggregate classification.

Literature cited by the submitters: PubMed 16256386 (cited by ClinGen PAH Variant Curation Expert Panel).

NM_000277.3(PAH):c.704A>C (p.Gln235Pro)

Gene: PAH (phenylalanine hydroxylase; minus strand). Cytogenetic location: 12q23.2.
Variant type: single nucleotide variant.
Coding change: c.704A>C on transcript NM_000277.3 (MANE Select); coding-DNA position 704, A replaced by C.
Protein change: p.Gln235Pro; replaces glutamine 235 with proline.
Molecular consequence: missense variant.
Genome position (GRCh38, 1-based): chr12:102,855,138, T>G on the plus strand (A>C on the coding strand, the complement: PAH is on the minus strand). VCF-style: chr12-102855138-T-G. GRCh37 (hg19) VCF-style: chr12-103248916-T-G.
Other names: NM_000277.2(PAH):c.704A>C; p.Gln235Pro; c.704A>C, p.Gln235Pro (NM_001354304.2); short protein forms Q235P.
Identifiers: ClinVar variation 102791 (VCV000102791.3), dbSNP rs199475656, ClinGen allele CA229700.